The following is an entry in ClinVar:

ClinVar aggregate classification (germline): Uncertain significance (1 of 4 stars; one submission).

Conditions:
Hereditary cancer-predisposing syndrome. Also called: Neoplastic Syndromes, Hereditary; Tumor predisposition; Hereditary neoplastic syndrome; Hereditary Cancer Syndrome. Identifiers: Orphanet 140162, MedGen C0027672, MeSH D009386, MONDO:0015356.

Submission:

Ambry Genetics
Classification: Uncertain significance for Hereditary cancer-predisposing syndrome. Last evaluated: 2026-08-12. Review status: criteria provided, single submitter. Criteria: Ambry Variant Classification Scheme 2023. Collection method: clinical testing. Allele origin: germline.
Comment: The p.L56S variant (also known as c.167T>C), located in coding exon 2 of the BMPR1A gene, results from a T to C substitution at nucleotide position 167. The leucine at codon 56 is replaced by serine, an amino acid with dissimilar properties. This amino acid position is well conserved in available vertebrate species. In addition, the in silico prediction for this alteration is inconclusive. Based on the available evidence, the clinical significance of this variant remains unclear.

NM_004329.3(BMPR1A):c.167T>C (p.Leu56Ser)

Gene: BMPR1A (bone morphogenetic protein receptor type 1A; plus strand). Cytogenetic location: 10q23.2.
Variant type: single nucleotide variant.
Coding change: c.167T>C on transcript NM_004329.3 (MANE Select); coding-DNA position 167, T replaced by C.
Protein change: p.Leu56Ser; replaces leucine 56 with serine.
Molecular consequence: missense variant. On other transcripts: non-coding transcript variant (3).
Genome position (GRCh38, 1-based): chr10:86,890,161, T>C. VCF-style: chr10-86890161-T-C. GRCh37 (hg19) VCF-style: chr10-88649918-T-C.
Other names: c.167T>C, p.Leu56Ser (NM_001406567.1, NM_001406568.1, NM_001406569.1 and 23 more transcripts); c.83T>C, p.Leu28Ser (NM_001406584.1, NM_001406585.1, NM_001406586.1 and 2 more transcripts); short protein forms L28S, L56S.
Identifiers: ClinVar variation 5033043 (VCV005033043.1).